The following is an entry in ClinVar:

ClinVar aggregate classification (germline): Likely benign. Review status: criteria provided, multiple submitters, no conflicts (2 of 4 stars). 3 submissions from 3 submitters: Likely benign (3). Last evaluated 2026-08-05.

Conditions:
SRP72-related disorder. Also called: SRP72-related condition.

Allele frequency attached by ClinVar (database versions not stated): gnomAD exomes 0.00001 and 0.00006; ExAC 0.00002; TOPMed 0.00003; gnomAD 0.00004 and 0.00005; 1000 Genomes Project 30x 0.00031; 1000 Genomes Project 0.00040.
gnomAD v4.1: 21 of 1,612,738 alleles (0.0013%); highest among the groups gnomAD compares: East Asian, 0.036%; no homozygotes.

Submissions (3):

PreventionGenetics, part of Exact Sciences
Classification: Likely benign for SRP72-related condition. Last evaluated: 2026-08-05. Review status: criteria provided, single submitter. Criteria: ACMG Guidelines, 2015. Collection method: clinical testing. Allele origin: germline.
Comment: This variant is classified as likely benign based on ACMG/AMP sequence variant interpretation guidelines (Richards et al. 2015 PMID: 25741868, with internal and published modifications).

Labcorp Genetics (formerly Invitae), Labcorp
Classification: Likely benign. Last evaluated: 2026-01-17. Review status: criteria provided, single submitter. Criteria: Invitae Variant Classification Sherloc (09022015). Collection method: clinical testing. Allele origin: germline.

Ambry Genetics
Classification: Likely benign. Last evaluated: 2024-10-05. Review status: criteria provided, single submitter. Criteria: Ambry Variant Classification Scheme 2023. Collection method: clinical testing. Allele origin: germline.

NM_006947.4(SRP72):c.909A>G (p.Leu303=)

Gene: SRP72 (signal recognition particle 72; plus strand). Cytogenetic location: 4q12.
Variant type: single nucleotide variant.
Coding change: c.909A>G on transcript NM_006947.4 (MANE Select); coding-DNA position 909, A replaced by G.
Protein change: p.Leu303=; no amino-acid change (leucine 303 retained).
Molecular consequence: synonymous variant. On other transcripts: non-coding transcript variant (1).
Genome position (GRCh38, 1-based): chr4:56,483,222, A>G. VCF-style: chr4-56483222-A-G. GRCh37 (hg19) VCF-style: chr4-57349388-A-G.
Other names: c.726A>G, p.Leu242= (NM_001267722.2); c.909A>G (NM_006947.3).
Identifiers: ClinVar variation 1565711 (VCV001565711.10), dbSNP rs562641527, ClinGen allele CA2931213.